The following is an entry in ClinVar:

ClinVar aggregate classification (germline): Uncertain significance. Review status: criteria provided, multiple submitters, no conflicts (2 of 4 stars). 2 submissions from 2 submitters: Uncertain significance (2). Last evaluated 2026-01-05.

Conditions:
Inborn genetic diseases. Identifiers: MedGen C0950123, MeSH D030342.

Allele frequency attached by ClinVar (database versions not stated): TOPMed 0.00002; gnomAD exomes 0.00004; gnomAD 0.00006; ESP Exome Variant Server 0.00008; ExAC 0.00016.
gnomAD v4.1: 82 of 1,610,788 alleles (0.0051%); highest among the groups gnomAD compares: Admixed American, 0.0067%; no homozygotes.

Submissions (2):

Labcorp Genetics (formerly Invitae), Labcorp
Classification: Uncertain significance. Last evaluated: 2026-01-05. Review status: criteria provided, single submitter. Criteria: Invitae Variant Classification Sherloc (09022015). Collection method: clinical testing. Allele origin: germline.
Comment: This sequence change replaces arginine, which is basic and polar, with glutamine, which is neutral and polar, at codon 872 of the GPR179 protein (p.Arg872Gln). This variant is present in population databases (rs370156919, gnomAD 0.03%). This variant has not been reported in the literature in individuals affected with GPR179-related conditions. ClinVar contains an entry for this variant (Variation ID: 1925570). An algorithm developed to predict the effect of missense changes on protein structure and function outputs the following: PolyPhen-2: "Benign". The glutamine amino acid residue is found in multiple mammalian species, which suggests that this missense change does not adversely affect protein function. In summary, the available evidence is currently insufficient to determine the role of this variant in disease. Therefore, it has been classified as a Variant of Uncertain Significance.

Ambry Genetics
Classification: Uncertain significance for Inborn genetic diseases. Last evaluated: 2024-05-29. Review status: criteria provided, single submitter. Criteria: Ambry Variant Classification Scheme 2023. Collection method: clinical testing. Allele origin: germline.

NM_001004334.4(GPR179):c.2615G>A (p.Arg872Gln)

Gene: GPR179 (G protein-coupled receptor 179; minus strand). Cytogenetic location: 17q12.
Variant type: single nucleotide variant.
Coding change: c.2615G>A on transcript NM_001004334.4 (MANE Select); coding-DNA position 2615, G replaced by A.
Protein change: p.Arg872Gln; replaces arginine 872 with glutamine.
Molecular consequence: missense variant.
Genome position (GRCh38, 1-based): chr17:38,330,954, C>T on the plus strand (G>A on the coding strand, the complement: GPR179 is on the minus strand). VCF-style: chr17-38330954-C-T. GRCh37 (hg19) VCF-style: chr17-36486837-C-T.
Other names: c.2615G>A (NM_001004334.2); short protein forms R872Q.
Identifiers: ClinVar variation 1925570 (VCV001925570.5), dbSNP rs370156919, ClinGen allele CA290105684.
Genomic context (GRCh38, chr17:38,330,954, plus strand): 5'-TCCAGCCTCCTGGCTGATGGCCTCCGCACCAGGCTGGCCATGGCTGCCTTGGCCTTCTTC[C>T]GCTCCTCCCGCTCCTTTGCTTGCCGGTAGGTCTCCTCCAGGTAGGCCTGGCTGGCCATGA-3'
Protein context (NP_001004334.3, residues 862-882): TYRQAKEREE[Arg872Gln]KKAKAAMASL